The following is an entry in ClinVar:

ClinVar aggregate classification (germline): Conflicting classifications of pathogenicity. Review status: criteria provided, conflicting classifications (1 of 4 stars). 3 submissions from 3 submitters: Uncertain significance (2); Likely benign (1). Last evaluated 2026-04-27.

Conditions:
Hereditary cancer-predisposing syndrome. Also called: Hereditary neoplastic syndrome; Neoplastic Syndromes, Hereditary; Tumor predisposition; Hereditary Cancer Syndrome. Identifiers: Orphanet 140162, MedGen C0027672, MeSH D009386, MONDO:0015356.
Neuroblastoma, susceptibility to, 3. Also called: ALK-Related Neuroblastic Tumor Susceptibility. Identifiers: Orphanet 635, MedGen C2751681, MONDO:0013083, OMIM 613014.

Allele frequency attached by ClinVar (database versions not stated): 1000 Genomes Project 0.00020; 1000 Genomes Project 30x 0.00016; ExAC 0.00002; gnomAD 0.00002 and 0.00001; ESP Exome Variant Server 0.00008; gnomAD exomes 0.00001.
gnomAD v4.1: 22 of 1,614,162 alleles (0.0014%); highest among the groups gnomAD compares: Middle Eastern, 0.033%; 1 homozygote.

Submissions (3):

Ambry Genetics
Classification: Likely benign for Hereditary cancer-predisposing syndrome. Last evaluated: 2026-04-27. Review status: criteria provided, single submitter. Criteria: Ambry Variant Classification Scheme 2023. Collection method: clinical testing. Allele origin: germline.

Labcorp Genetics (formerly Invitae), Labcorp
Classification: Uncertain significance for Neuroblastoma, susceptibility to, 3. Last evaluated: 2024-12-12. Review status: criteria provided, single submitter. Criteria: Invitae Variant Classification Sherloc (09022015). Collection method: clinical testing. Allele origin: germline.
Comment: This sequence change replaces proline, which is neutral and non-polar, with leucine, which is neutral and non-polar, at codon 1551 of the ALK protein (p.Pro1551Leu). This variant is present in population databases (rs200425614, gnomAD 0.01%). This variant has not been reported in the literature in individuals affected with ALK-related conditions. ClinVar contains an entry for this variant (Variation ID: 1006689). An algorithm developed to predict the effect of missense changes on protein structure and function (PolyPhen-2) suggests that this variant is likely to be tolerated. In summary, the available evidence is currently insufficient to determine the role of this variant in disease. Therefore, it has been classified as a Variant of Uncertain Significance.

Baylor Genetics
Classification: Uncertain significance for Neuroblastoma, susceptibility to, 3. Last evaluated: 2023-12-27. Review status: criteria provided, single submitter. Criteria: ACMG Guidelines, 2015. Collection method: clinical testing. Allele origin: unknown.

NM_004304.5(ALK):c.4652C>T (p.Pro1551Leu)

Gene: ALK (ALK receptor tyrosine kinase; minus strand). Cytogenetic location: 2p23.2.
Variant type: single nucleotide variant.
Coding change: c.4652C>T on transcript NM_004304.5 (MANE Select); coding-DNA position 4652, C replaced by T.
Protein change: p.Pro1551Leu; replaces proline 1551 with leucine.
Molecular consequence: missense variant.
Genome position (GRCh38, 1-based): chr2:29,193,435, G>A on the plus strand (C>T on the coding strand, the complement: ALK is on the minus strand). VCF-style: chr2-29193435-G-A. GRCh37 (hg19) VCF-style: chr2-29416301-G-A.
Other names: c.1448C>T, p.Pro483Leu (NM_001353765.2); short protein forms P1551L, P483L.
Identifiers: ClinVar variation 1006689 (VCV001006689.14), dbSNP rs200425614, ClinGen allele CA1593522.